The following is an entry in ClinVar:

ClinVar aggregate classification (germline): Conflicting classifications of pathogenicity. Review status: criteria provided, conflicting classifications (1 of 4 stars). 14 submissions from 14 submitters: Uncertain significance (3); Benign (3); Likely benign (5). 3 of the submissions do not count toward it. Last evaluated 2026-01-27.

Conditions:
APC-related disorder. Also called: APC-related condition.
Classic or attenuated familial adenomatous polyposis. Identifiers: MedGen CN372698, MONDO:0021057.
Hereditary cancer-predisposing syndrome. Also called: Tumor predisposition; Hereditary neoplastic syndrome; Neoplastic Syndromes, Hereditary; Hereditary Cancer Syndrome. Identifiers: Orphanet 140162, MedGen C0027672, MeSH D009386, MONDO:0015356.
Colorectal cancer. Also called: Malignant Colorectal Neoplasm; Colorectal cancer, somatic. Identifiers: MedGen C0346629, MONDO:0005575, OMIM 114500.
Familial adenomatous polyposis 1 (FAP1). Also called: FAMILIAL ADENOMATOUS POLYPOSIS 1, ATTENUATED; POLYPOSIS, ADENOMATOUS INTESTINAL. Identifiers: MedGen C2713442, MONDO:0021056, OMIM 175100. Disease mechanism: loss of function.
Carcinoma of colon (CRC). Also called: Colonic carcinoma; Colon carcinoma. Identifiers: MedGen C0699790, MONDO:0002032.

Allele frequency attached by ClinVar (database versions not stated): gnomAD exomes 0.00008; gnomAD 0.00003; TOPMed 0.00005; ExAC 0.00008.
gnomAD v4.1: 26 of 1,613,010 alleles (0.0016%); highest among the groups gnomAD compares: East Asian, 0.058%; no homozygotes.

Submissions (14):

Labcorp Genetics (formerly Invitae), Labcorp
Classification: Likely benign for Familial adenomatous polyposis 1. Last evaluated: 2026-01-27. Review status: criteria provided, single submitter. Criteria: Invitae Variant Classification Sherloc (09022015). Collection method: clinical testing. Allele origin: germline.

Color Diagnostics, LLC DBA Color Health
Classification: Likely benign for Hereditary cancer-predisposing syndrome. Last evaluated: 2024-11-13. Review status: criteria provided, single submitter. Criteria: ACMG Guidelines, 2015. Collection method: clinical testing. Allele origin: germline.

All of Us Research Program, National Institutes of Health
Classification: Uncertain significance for Classic or attenuated familial adenomatous polyposis. Last evaluated: 2024-09-23. Review status: criteria provided, single submitter. Criteria: ACMG Guidelines, 2015. Collection method: clinical testing. Allele origin: germline. Inheritance: Autosomal dominant inheritance. Observed: 9 variant alleles, 8 heterozygotes, 1 hemizygote.
Comment: This missense variant replaces serine with cysteine at codon 1971 of the APC protein. Computational prediction suggests that this variant may have deleterious impact on protein structure and function (internally defined REVEL score threshold >= 0.7, PMID: 27666373). To our knowledge, functional assays have not been performed for this variant. This variant has been observed in individuals affected with colorectal cancer (PMID: 28135145) and suspected of familial adenomatous polyposis (PMID: 14966376). This variant has also been identified in 22/282164 chromosomes (22/19920 East Asian chromosomes) in the general population by the Genome Aggregation Database (gnomAD). In summary, this is a variant of unknown impact on function that has been observed in affected individuals as well as in the general population. Available evidence is insufficient to determine the role of this variant in disease conclusively. Therefore, this variant is classified as a Variant of Uncertain Significance.

This study involves interpretation of variants in research participants for the purpose of population health screening. Participant phenotype was not available at the time of variant classification. Additional details can be found in publication PMID: 35346344, PMCID: PMC8962531

Myriad Genetics, Inc.
Classification: Likely benign for Familial adenomatous polyposis 1. Last evaluated: 2024-04-03. Review status: criteria provided, single submitter. Criteria: Myriad Autosomal Dominant, Autosomal Recessive and X-Linked Classification Criteria (2023). Collection method: clinical testing. Allele origin: unknown.
Comment: This variant is considered likely benign. This variant has been observed at a population frequency that is significantly greater than expected given the associated disease prevalence and penetrance.

GeneDx
Classification: Uncertain significance. Last evaluated: 2023-12-28. Review status: criteria provided, single submitter. Criteria: GeneDx Variant Classification Process June 2021. Collection method: clinical testing. Allele origin: germline. Affected: yes.
Comment: In silico analysis supports that this missense variant has a deleterious effect on protein structure/function; Observed in individuals with colon cancer and/or suspicion of polyposis (PMID: 28135145, 14966376); This variant is associated with the following publications: (PMID: 21859464, 14966376, 26625971, 28135145, 35538921, 18199528, 36243179)

Mendelics
Classification: Benign for Familial adenomatous polyposis 1. Last evaluated: 2023-08-22. Review status: criteria provided, single submitter. Criteria: Mendelics Assertion Criteria 2019. Collection method: clinical testing. Allele origin: germline.

Ambry Genetics
Classification: Benign for Hereditary cancer-predisposing syndrome. Last evaluated: 2021-07-20. Review status: criteria provided, single submitter. Criteria: Ambry Variant Classification Scheme 2023. Collection method: clinical testing. Allele origin: germline.

Sema4
Classification: Likely benign for Hereditary cancer-predisposing syndrome. Last evaluated: 2021-05-31. Review status: criteria provided, single submitter. Criteria: Sema4 Curation Guidelines. Collection method: curation. Allele origin: germline.

Quest Diagnostics Nichols Institute San Juan Capistrano
Classification: Benign. Last evaluated: 2019-11-29. Review status: criteria provided, single submitter. Criteria: Quest Diagnostics criteria. Collection method: clinical testing. Allele origin: unknown.

Women's Health and Genetics/Laboratory Corporation of America, LabCorp
Classification: Likely benign. Last evaluated: 2018-09-07. Review status: criteria provided, single submitter. Criteria: LabCorp Variant Classification Summary - May 2015. Collection method: clinical testing. Allele origin: germline.
Comment: Variant summary: APC c.5912C>G (p.Ser1971Cys) results in a non-conservative amino acid change in the encoded protein sequence. Five of five in-silico tools predict a damaging effect of the variant on protein function. The variant allele was found at a frequency of 8e-05 in 276666 control chromosomes, predominantly at a frequency of 0.0012 within the East Asian subpopulation in the gnomAD database. The observed variant frequency within East Asian control individuals in the gnomAD database is approximately 16.8 fold of the estimated maximal expected allele frequency for a pathogenic variant in APC causing Familial Adenomatous Polyposis phenotype (7.1e-05), strongly suggesting that the variant is a benign polymorphism found primarily in populations of East Asian origin. c.5912C>G has been reported in the literature in East Asian individuals affected with Familial Adenomatous Polyposis and colorectal cancer (Wei_2004, Yurgelun_2017). These report(s) do not provide unequivocal conclusions about association of the variant with Familial Adenomatous Polyposis. To our knowledge, no experimental evidence demonstrating an impact on protein function has been reported. Six clinical diagnostic laboratories have submitted clinical-significance assessments for this variant to ClinVar after 2014 without evidence for independent evaluation, all with classifications of VUS except for one likely benign classification. Based on the evidence outlined above, the variant was classified as likely benign.

Laboratory for Molecular Medicine, Mass General Brigham Personalized Medicine
Classification: Uncertain significance. Last evaluated: 2016-12-14. Review status: criteria provided, single submitter. Criteria: LMM Criteria. Collection method: clinical testing. Allele origin: germline.
Comment: Variant identified in a genome or exome case(s) and assessed due to predicted null impact of the variant or pathogenic assertions in the literature or databases. Disclaimer: This variant has not undergone full assessment. It is present in gnomAD with a Max MAF of 0.11% (22/18910 East Asian alleles - frequency too high for disease). This variant is classified in ClinVar with 2 stars as VUS by Ambry and Invitae.

PreventionGenetics, part of Exact Sciences
Classification: Likely benign for APC-related condition. Last evaluated: 2020-10-21. Review status: no assertion criteria provided. Collection method: clinical testing. Allele origin: germline. Not counted in ClinVar's aggregate classification.
Comment: This variant is classified as likely benign based on ACMG/AMP sequence variant interpretation guidelines (Richards et al. 2015 PMID: 25741868, with internal and published modifications).

3DMed Clinical Laboratory Inc
Classification: Uncertain significance for Colorectal cancer. Last evaluated: 2017-05-25. Review status: no assertion criteria provided. Criteria: ACMG Guidelines, 2015. Collection method: clinical testing. Allele origin: germline. Affected: yes. Not counted in ClinVar's aggregate classification.

Department of Pathology and Laboratory Medicine, Sinai Health System
Classification: Uncertain significance for Carcinoma of colon. Review status: no assertion criteria provided. Collection method: clinical testing. Allele origin: unknown. Affected: yes. Study: The Canadian Open Genetics Repository (COGR). Not counted in ClinVar's aggregate classification.
Comment: The APC p.Ser1971Cys variant was identified in 2 of 2128 proband chromosomes (frequency: 0.0009) from individuals or families with familial adenomatous polyposis and colorectal cancer (Yurgelun 2017, Wei 2004). The variant was identified in dbSNP (rs754691867) as â€šÃ„Ãºwith uncertain significance alleleâ€šÃ„Ã¹ and ClinVar (classified as uncertain significance by Color, Ambry Genetics and 3 other submitters; and as likely benign by Invitae and Integrated Genetics). The variant was not identified in LOVD 3.0 and UMD-LSDB. The variant was identified in control databases in 22 of 276,666 chromosomes at a frequency of 0.00008 (Genome Aggregation Database Feb 27, 2017). The variant was observed in the East Asian population in 22 of 18,832 chromosomes (freq: 0.001), but not in the African, Other, Latino, European, Ashkenazi Jewish, Finnish, or South Asian populations. The p.Ser1971 residue is conserved across mammals and other organisms, and four out of five computational analyses (PolyPhen-2, SIFT, AlignGVGD, BLOSUM, MutationTaster) suggest that the variant may impact the protein; however, this information is not predictive enough to assume pathogenicity. The variant occurs outside of the splicing consensus sequence and in silico or computational prediction software programs (SpliceSiteFinder, MaxEntScan, NNSPLICE, GeneSplicer) do not predict a difference in splicing. In summary, based on the above information, the clinical significance of this variant cannot be determined with certainty at this time. This variant is classified as a variant of uncertain significance.

Literature cited by the submitters: PubMed 14966376 (cited by 4 submitters); PubMed 28135145 (cited by 3 submitters); PubMed 21859464 (cited by Ambry Genetics and Quest Diagnostics Nichols Institute San Juan Capistrano); PubMed 26625971 (cited by Quest Diagnostics Nichols Institute San Juan Capistrano).

NM_000038.6(APC):c.5912C>G (p.Ser1971Cys)

Gene: APC (APC regulator of Wnt signaling pathway; plus strand). Cytogenetic location: 5q22.2.
Variant type: single nucleotide variant.
Coding change: c.5912C>G on transcript NM_000038.6 (MANE Select); coding-DNA position 5912, C replaced by G.
Protein change: p.Ser1971Cys; replaces serine 1971 with cysteine.
Molecular consequence: missense variant.
Genome position (GRCh38, 1-based): chr5:112,841,506, C>G. VCF-style: chr5-112841506-C-G. GRCh37 (hg19) VCF-style: chr5-112177203-C-G.
Other names: c.5912C>G, p.Ser1971Cys (NM_001127510.3, NM_001354895.2); c.5858C>G, p.Ser1953Cys (NM_001127511.3); c.5966C>G, p.Ser1989Cys (NM_001354896.2); c.5942C>G, p.Ser1981Cys (NM_001354897.2); c.5837C>G, p.Ser1946Cys (NM_001354898.2); c.5828C>G, p.Ser1943Cys (NM_001354899.2); c.5789C>G, p.Ser1930Cys (NM_001354900.2); c.5735C>G, p.Ser1912Cys (NM_001354901.2); and 5 more; short protein forms S1953C, S1971C, S1811C, S1912C, S1943C, S1688C, S1946C, S1981C.
Identifiers: ClinVar variation 187282 (VCV000187282.41), dbSNP rs754691867, ClinGen allele CA010787.